The following is an entry in ClinVar:

NM_015450.3(POT1):c.119G>A (p.Gly40Glu)

Gene: POT1 (protection of telomeres 1; minus strand). Cytogenetic location: 7q31.33.
Variant type: single nucleotide variant.
Coding change: c.119G>A on transcript NM_015450.3 (MANE Select); coding-DNA position 119, G replaced by A.
Protein change: p.Gly40Glu; replaces glycine 40 with glutamic acid.
Molecular consequence: missense variant. On other transcripts: 5 prime UTR variant (1), non-coding transcript variant (3).
Genome position (GRCh38, 1-based): chr7:124,892,271, C>T on the plus strand (G>A on the coding strand, the complement: POT1 is on the minus strand). VCF-style: chr7-124892271-C-T. GRCh37 (hg19) VCF-style: chr7-124532325-C-T.
Other names: c.-144G>A (NM_001042594.2); short protein forms G40E.
Identifiers: ClinVar variation 1059008 (VCV001059008.16), dbSNP rs2116629512, ClinGen allele CA369065949.

ClinVar aggregate classification (germline): Uncertain significance. Review status: criteria provided, multiple submitters, no conflicts (2 of 4 stars). 4 submissions from 4 submitters: Uncertain significance (4). Last evaluated 2024-04-11.

Conditions:
Tumor predisposition syndrome 3 (TPDS3). Also called: Melanoma, cutaneous malignant, susceptibility to, 10; Glioma susceptibility 9; LONG TELOMERE SYNDROME, POT1-RELATED; POT1 Tumor Predisposition. Identifiers: Orphanet 618, MedGen C4014476, MONDO:0014368, OMIM 615848.
Hereditary cancer-predisposing syndrome. Also called: Neoplastic Syndromes, Hereditary; Hereditary Cancer Syndrome; Hereditary neoplastic syndrome; Tumor predisposition. Identifiers: Orphanet 140162, MedGen C0027672, MeSH D009386, MONDO:0015356.

Submissions (4):

Labcorp Genetics (formerly Invitae), Labcorp
Classification: Uncertain significance for Tumor predisposition syndrome 3. Last evaluated: 2024-04-11. Review status: criteria provided, single submitter. Criteria: Invitae Variant Classification Sherloc (09022015). Collection method: clinical testing. Allele origin: germline.
Comment: This sequence change replaces glycine, which is neutral and non-polar, with glutamic acid, which is acidic and polar, at codon 40 of the POT1 protein (p.Gly40Glu). This variant is not present in population databases (gnomAD no frequency). This variant has not been reported in the literature in individuals affected with POT1-related conditions. ClinVar contains an entry for this variant (Variation ID: 1059008). Advanced modeling of protein sequence and biophysical properties (such as structural, functional, and spatial information, amino acid conservation, physicochemical variation, residue mobility, and thermodynamic stability) performed at Invitae indicates that this missense variant is not expected to disrupt POT1 protein function with a negative predictive value of 80%. In summary, the available evidence is currently insufficient to determine the role of this variant in disease. Therefore, it has been classified as a Variant of Uncertain Significance.

MGZ Medical Genetics Center
Classification: Uncertain significance for Tumor predisposition syndrome 3. Last evaluated: 2022-05-16. Review status: criteria provided, single submitter. Criteria: ACMG Guidelines, 2015. Collection method: clinical testing. Allele origin: germline. Affected: yes. Observed: 1 variant allele.
Comment: ACMG criteria applied: PM2_SUP, PP3

Ambry Genetics
Classification: Uncertain significance for Hereditary cancer-predisposing syndrome. Last evaluated: 2021-11-10. Review status: criteria provided, single submitter. Criteria: Ambry Variant Classification Scheme 2023. Collection method: clinical testing. Allele origin: germline.
Comment: The p.G40E variant (also known as c.119G>A), located in coding exon 2 of the POT1 gene, results from a G to A substitution at nucleotide position 119. The glycine at codon 40 is replaced by glutamic acid, an amino acid with similar properties. This amino acid position is highly conserved in available vertebrate species. In addition, this alteration is predicted to be deleterious by in silico analysis. Since supporting evidence is limited at this time, the clinical significance of this alteration remains unclear.

Genetic Services Laboratory, University of Chicago
Classification: Uncertain significance. Last evaluated: 2020-03-16. Review status: criteria provided, single submitter. Criteria: ACMG Guidelines, 2015. Collection method: clinical testing. Allele origin: germline. Affected: no.
Comment: DNA sequence analysis of the POT1 gene demonstrated a sequence change, c.119G>A, in exon 6 that results in an amino acid change, p.Gly40Glu. This sequence change does not appear to have been previously described in patients with POT1-related disorders. This sequence change is absent from the large population databases (ExAC and gnomAD). The p.Gly40Glu change affects a highly conserved amino acid residue located in a domain of the POT1 protein that is known to be functional. The p.Gly40Glu substitution appears to be deleterious using several in-silico pathogenicity prediction tools (SIFT, PolyPhen2, Align GVGD, REVEL). Due to these contrasting evidences and the lack of functional studies, the clinical significance of the p.Gly40Glu change remains unknown at this time.